The following is an entry in ClinVar:

NM_001364857.2(ADGRB2):c.3577G>A (p.Ala1193Thr)

Gene: ADGRB2 (adhesion G protein-coupled receptor B2; minus strand). Cytogenetic location: 1p35.2.
Variant type: single nucleotide variant.
Coding change: c.3577G>A on transcript NM_001364857.2 (MANE Select); coding-DNA position 3577, G replaced by A.
Protein change: p.Ala1193Thr; replaces alanine 1193 with threonine.
Molecular consequence: missense variant.
Genome position (GRCh38, 1-based): chr1:31,733,019, C>T on the plus strand (G>A on the coding strand, the complement: ADGRB2 is on the minus strand). VCF-style: chr1-31733019-C-T. GRCh37 (hg19) VCF-style: chr1-32198620-C-T.
Other names: c.3577G>A, p.Ala1193Thr (NM_001294335.2, NM_001703.2); c.3478G>A, p.Ala1160Thr (NM_001294336.2); short protein forms A1160T, A1193T.
Identifiers: ClinVar variation 1987033 (VCV001987033.6), dbSNP rs766443769, ClinGen allele CA339600107.

ClinVar aggregate classification (germline): Uncertain significance. Review status: criteria provided, multiple submitters, no conflicts (2 of 4 stars). 2 submissions from 2 submitters: Uncertain significance (2). Last evaluated 2023-06-12.

Allele frequency attached by ClinVar (database versions not stated): TOPMed 0.00001.
gnomAD v4.1: 11 of 1,570,168 alleles (0.0007%); highest among the groups gnomAD compares: East Asian, 0.0047%; no homozygotes.

Submissions (2):

Ambry Genetics
Classification: Uncertain significance. Last evaluated: 2023-06-12. Review status: criteria provided, single submitter. Criteria: Ambry Variant Classification Scheme 2023. Collection method: clinical testing. Allele origin: germline.

Labcorp Genetics (formerly Invitae), Labcorp
Classification: Uncertain significance. Last evaluated: 2021-12-29. Review status: criteria provided, single submitter. Criteria: Invitae Variant Classification Sherloc (09022015). Collection method: clinical testing. Allele origin: germline.
Comment: The frequency data for this variant in the population databases is considered unreliable, as metrics indicate poor data quality at this position in the gnomAD database. This sequence change replaces alanine, which is neutral and non-polar, with threonine, which is neutral and polar, at codon 1160 of the ADGRB2 protein (p.Ala1160Thr). This variant has not been reported in the literature in individuals affected with ADGRB2-related conditions. In summary, the available evidence is currently insufficient to determine the role of this variant in disease. Therefore, it has been classified as a Variant of Uncertain Significance. Algorithms developed to predict the effect of missense changes on protein structure and function (SIFT, PolyPhen-2, Align-GVGD) all suggest that this variant is likely to be tolerated.